The following is an entry in ClinVar:

NM_078480.3(PUF60):c.677A>C (p.Asn226Thr)

Gene: PUF60 (poly(U) binding splicing factor 60; minus strand). Cytogenetic location: 8q24.3.
Variant type: single nucleotide variant.
Coding change: c.677A>C on transcript NM_078480.3 (MANE Select); coding-DNA position 677, A replaced by C.
Protein change: p.Asn226Thr; replaces asparagine 226 with threonine.
Molecular consequence: missense variant.
Genome position (GRCh38, 1-based): chr8:143,818,002, T>G on the plus strand (A>C on the coding strand, the complement: PUF60 is on the minus strand). VCF-style: chr8-143818002-T-G. GRCh37 (hg19) VCF-style: chr8-144900172-T-G.
Other names: c.548A>C, p.Asn183Thr (NM_001136033.3); c.623A>C, p.Asn208Thr (NM_001271096.2); c.539A>C, p.Asn180Thr (NM_001271097.2); c.674A>C, p.Asn225Thr (NM_001271098.2); c.590A>C, p.Asn197Thr (NM_001271099.2); c.497A>C, p.Asn166Thr (NM_001271100.2); c.788A>C, p.Asn263Thr (NM_001362895.2, NM_001362896.2); c.737A>C, p.Asn246Thr (NM_001362897.2); and 1 more; short protein forms N263T, N180T, N208T, N225T, N246T, N166T, N183T, N197T.
Identifiers: ClinVar variation 3311719 (VCV003311719.1).

ClinVar aggregate classification (germline): Uncertain significance (1 of 4 stars; one submission).

Conditions:
Inborn genetic diseases. Identifiers: MedGen C0950123, MeSH D030342.

Submission:

Ambry Genetics
Classification: Uncertain significance for Inborn genetic diseases. Last evaluated: 2024-04-26. Review status: criteria provided, single submitter. Criteria: Ambry Variant Classification Scheme 2023. Collection method: clinical testing. Allele origin: germline.
Comment: The c.677A>C (p.N226T) alteration is located in exon 8 (coding exon 8) of the PUF60 gene. This alteration results from a A to C substitution at nucleotide position 677, causing the asparagine (N) at amino acid position 226 to be replaced by a threonine (T). This variant was not reported in population-based cohorts in the Genome Aggregation Database (gnomAD). This amino acid position is highly conserved in available vertebrate species. This missense alteration is located in a region that has a low rate of benign missense variation (Lek, 2016; Firth, 2009). This alteration is predicted to be tolerated by in silico analysis. Based on insufficient or conflicting evidence, the clinical significance of this alteration remains unclear.